The following is an entry in ClinVar:

NM_006158.5(NEFL):c.509C>A (p.Thr170Asn)

Gene: NEFL (neurofilament light chain; minus strand). Cytogenetic location: 8p21.2.
Variant type: single nucleotide variant.
Coding change: c.509C>A on transcript NM_006158.5 (MANE Select); coding-DNA position 509, C replaced by A.
Protein change: p.Thr170Asn; replaces threonine 170 with asparagine.
Molecular consequence: missense variant.
Genome position (GRCh38, 1-based): chr8:24,956,007, G>T on the plus strand (C>A on the coding strand, the complement: NEFL is on the minus strand). VCF-style: chr8-24956007-G-T. GRCh37 (hg19) VCF-style: chr8-24813521-G-T.
Other names: short protein forms T170N.
Identifiers: ClinVar variation 1000058 (VCV001000058.3), dbSNP rs541360328, ClinGen allele CA370622235.

ClinVar aggregate classification (germline): Uncertain significance (1 of 4 stars; one submission).

Conditions:
Charcot-Marie-Tooth disease type 2E (CMT2E). Also called: CHARCOT-MARIE-TOOTH NEUROPATHY, TYPE 2E; CHARCOT-MARIE-TOOTH DISEASE, AXONAL, TYPE 2E. Identifiers: Orphanet 99939, MedGen C1843225, MONDO:0011894, OMIM 607684.

Submission:

Labcorp Genetics (formerly Invitae), Labcorp
Classification: Uncertain significance for Charcot-Marie-Tooth disease type 2E. Last evaluated: 2021-07-30. Review status: criteria provided, single submitter. Criteria: Invitae Variant Classification Sherloc (09022015). Collection method: clinical testing. Allele origin: germline.
Comment: In summary, the available evidence is currently insufficient to determine the role of this variant in disease. Therefore, it has been classified as a Variant of Uncertain Significance. Experimental studies and prediction algorithms are not available or were not evaluated, and the functional significance of this variant is currently unknown. This variant has not been reported in the literature in individuals with NEFL-related conditions. This variant is not present in population databases (ExAC no frequency). This sequence change replaces threonine with asparagine at codon 170 of the NEFL protein (p.Thr170Asn). The threonine residue is hightly conserved and there is a small physicochemical difference between threonine and asparagine.